The following is an entry in ClinVar:

NM_020937.4(FANCM):c.5141C>T (p.Ala1714Val)

Gene: FANCM (FA complementation group M; plus strand). Cytogenetic location: 14q21.2.
Variant type: single nucleotide variant.
Coding change: c.5141C>T on transcript NM_020937.4 (MANE Select); coding-DNA position 5141, C replaced by T.
Protein change: p.Ala1714Val; replaces alanine 1714 with valine.
Molecular consequence: missense variant.
Genome position (GRCh38, 1-based): chr14:45,189,163, C>T. VCF-style: chr14-45189163-C-T. GRCh37 (hg19) VCF-style: chr14-45658366-C-T.
Other names: c.5141C>T (LRG_502t1, NM_020937.3); c.5063C>T, p.Ala1688Val (NM_001308133.2); short protein forms A1714V, A1688V.
Identifiers: ClinVar variation 580838 (VCV000580838.21), dbSNP rs139383231, ClinGen allele CA7169912.
Genomic context (GRCh38, chr14:45,189,163, plus strand): 5'-CTGTTAAGAAGAACAAACAACAGGACCATTGTTTAAATTCAGTGCCTTCTGGATCTTCTG[C>T]GCAGTCCAAGGTGCGTTCTACTCCAAGAGTTAATCCATTAGCAAAGCAGAGCAAACAGAC-3'
Protein context (NP_065988.1, residues 1704-1724): CLNSVPSGSS[Ala1714Val]QSKVRSTPRV

ClinVar aggregate classification (germline): Conflicting classifications of pathogenicity. Review status: criteria provided, conflicting classifications (1 of 4 stars). 6 submissions from 6 submitters: Uncertain significance (4); Likely benign (2). Last evaluated 2025-10-27.

Conditions:
Fanconi anemia (FA). Also called: Fanconi's anemia. Identifiers: Orphanet 84, MedGen C0015625, MeSH D005199, MONDO:0019391.
Hereditary cancer-predisposing syndrome. Also called: Hereditary neoplastic syndrome; Neoplastic Syndromes, Hereditary; Hereditary Cancer Syndrome; Tumor predisposition. Identifiers: Orphanet 140162, MedGen C0027672, MeSH D009386, MONDO:0015356.
Spermatogenic failure 28. Identifiers: MedGen C4748117, MONDO:0054732, OMIM 618086.
Premature ovarian failure 15. Identifiers: MedGen C4748170, MONDO:0054862, OMIM 618096.

Allele frequency attached by ClinVar (database versions not stated): gnomAD exomes 0.00014; 1000 Genomes Project 30x 0.00016; ExAC 0.00017; 1000 Genomes Project 0.00020; ESP Exome Variant Server 0.00046; gnomAD 0.00051 and 0.00058; TOPMed 0.00054.

Submissions (6):

Labcorp Genetics (formerly Invitae), Labcorp
Classification: Uncertain significance for Fanconi anemia. Last evaluated: 2025-10-27. Review status: criteria provided, single submitter. Criteria: Invitae Variant Classification Sherloc (09022015). Collection method: clinical testing. Allele origin: germline.
Comment: This sequence change replaces alanine, which is neutral and non-polar, with valine, which is neutral and non-polar, at codon 1714 of the FANCM protein (p.Ala1714Val). This variant is present in population databases (rs139383231, gnomAD 0.2%). This variant has not been reported in the literature in individuals affected with FANCM-related conditions. ClinVar contains an entry for this variant (Variation ID: 580838). An algorithm developed to predict the effect of missense changes on protein structure and function outputs the following: PolyPhen-2: "Benign". The valine amino acid residue is found in multiple mammalian species, which suggests that this missense change does not adversely affect protein function. In summary, the available evidence is currently insufficient to determine the role of this variant in disease. Therefore, it has been classified as a Variant of Uncertain Significance.

GeneDx
Classification: Uncertain significance. Last evaluated: 2025-07-16. Review status: criteria provided, single submitter. Criteria: GeneDx Variant Classification Process June 2021. Collection method: clinical testing. Allele origin: germline. Affected: yes.
Comment: In silico analysis suggests that this missense variant does not alter protein structure/function; Reported in an individual with glioblastoma (PMID: 26689913); This variant is associated with the following publications: (PMID: 26689913)

Quest Diagnostics Nichols Institute San Juan Capistrano
Classification: Likely benign. Last evaluated: 2024-12-20. Review status: criteria provided, single submitter. Criteria: Quest Diagnostics criteria. Collection method: clinical testing. Allele origin: unknown.

Blueprint Genetics
Classification: Likely benign. Last evaluated: 2024-06-24. Review status: criteria provided, single submitter. Criteria: ACMG Guidelines, 2015. Collection method: clinical testing. Allele origin: germline.

Fulgent Genetics
Classification: Uncertain significance for Spermatogenic failure 28; Premature ovarian failure 15. Last evaluated: 2022-01-18. Review status: criteria provided, single submitter. Criteria: ACMG Guidelines, 2015. Collection method: clinical testing. Allele origin: unknown.

Sema4
Classification: Uncertain significance for Hereditary cancer-predisposing syndrome. Last evaluated: 2021-06-25. Review status: criteria provided, single submitter. Criteria: Sema4 Curation Guidelines. Collection method: curation. Allele origin: germline.
Comment: The FANCM c.5141C>T (p.A1714V) variant has not been reported in the literature to our knowledge. This variant was observed in 44/24944 chromosomes in the African/African American population, according to the Genome Aggregation Database (PMID: 32461654). This variant has been reported in ClinVar (Variation ID 580838). In silico tools suggest the impact of the variant on protein function is inconclusive, though these predictions have not been confirmed by functional studies. The overall evidence is insufficient to meet ACMG/AMP criteria for classifying it as benign or pathogenic. In summary, the clinical significance of this variant is currently uncertain.

Literature cited by the submitters: PubMed 33471991 (cited by Quest Diagnostics Nichols Institute San Juan Capistrano); PubMed 29146900 (cited by Quest Diagnostics Nichols Institute San Juan Capistrano); PubMed 35768438 (cited by Quest Diagnostics Nichols Institute San Juan Capistrano); PubMed 37349538 (cited by Quest Diagnostics Nichols Institute San Juan Capistrano).